The following is an entry in ClinVar:

NM_007294.4(BRCA1):c.99A>G (p.Glu33=)

Gene: BRCA1 (BRCA1 DNA repair associated; minus strand). Cytogenetic location: 17q21.31.
Variant type: single nucleotide variant.
Coding change: c.99A>G on transcript NM_007294.4 (MANE Select); coding-DNA position 99, A replaced by G.
Protein change: p.Glu33=; no amino-acid change (glutamic acid 33 retained).
Molecular consequence: synonymous variant. On other transcripts: 5 prime UTR variant (132), intron variant (41).
Genome position (GRCh38, 1-based): chr17:43,115,761, T>C on the plus strand (A>G on the coding strand, the complement: BRCA1 is on the minus strand). VCF-style: chr17-43115761-T-C. GRCh37 (hg19) VCF-style: chr17-41267778-T-C.
Other names: c.-90A>G (NM_001407571.1, NM_001407853.1, NM_001407879.1 and 52 more transcripts); c.99A>G, p.Glu33= (NM_001407581.1, NM_001407582.1, NM_001407583.1 and 192 more transcripts); c.-159A>G (NM_001407694.1, NM_001407696.1, NM_001407724.1 and 13 more transcripts); c.-163A>G (NM_001407695.1, NM_001408465.1); c.-43A>G (NM_001407697.1, NM_001407725.1, NM_001407728.1 and 47 more transcripts); c.-39A>G (NM_001407841.1); c.-206A>G (NM_001407889.1, NM_001407900.1, NM_001408492.1); c.-205A>G (NM_001407960.1, NM_001407962.1, NM_001408510.1 and 1 more transcripts); and 10 more.
Identifiers: ClinVar variation 865115 (VCV000865115.3), dbSNP rs2055257088, ClinGen allele CA500130061.

Conditions:
Breast-ovarian cancer, familial, susceptibility to, 1 (BROVCA1). Also called: BRCA1 Hereditary Breast and Ovarian Cancer; OVARIAN CANCER, SUSCEPTIBILITY TO. Identifiers: Orphanet 145, MedGen C2676676, MONDO:0011450, OMIM 604370. Disease mechanism: loss of function.

Submission:

Brotman Baty Institute, University of Washington
No classification provided (evidence only). Condition: Breast-ovarian cancer, familial 1. Review status: no classification provided. Collection method: in vitro. Allele origin: not applicable. Functional consequence: functionally_normal.
ClinVar note: "not provided" was previously submitted as the classification for the variant. However, the classification appeared to be based only on an observation of functional data so it was converted to no classification on 2025-07-30.